The following is an entry in ClinVar:

ClinVar aggregate classification (germline): Uncertain significance (1 of 4 stars; one submission).

Submission:

Medical Genetic Center, Changzhi Maternal and Child Health Care Hospital
Classification: Uncertain significance. Last evaluated: 2025-12-10. Review status: criteria provided, single submitter. Criteria: ACMG/ClinGen CNV Guidelines, 2019. Collection method: clinical testing. Allele origin: unknown.
Comment: STRC deletion cariirer

GRCh38/hg38 15q15.3(chr15:43553262-43676486)x1

Genes: CATSPER2 (cation channel sperm associated 2; minus strand), CKMT1B (creatine kinase, mitochondrial 1B; plus strand), PPIP5K1 (diphosphoinositol pentakisphosphate kinase 1; minus strand), STRC (stereocilin; minus strand), LOC130056948 (ATAC-STARR-seq lymphoblastoid active region 9316; plus strand) and 1 more. Cytogenetic location: 15q15.3.
Variant type: copy number loss.
Change: copy number 1 (one copy instead of two) of chr15:43,553,262-43,676,486 (123.2 kb, GRCh38 coordinates, 1-based), cytogenetic band 15q15.3.
Identifiers: ClinVar variation 4796244 (VCV004796244.1).